The following is an entry in ClinVar:

ClinVar aggregate classification (germline): Likely pathogenic (1 of 4 stars; one submission).

Conditions:
Sucrase-isomaltase deficiency (CSID). Also called: SI DEFICIENCY; Congenital sucrose isomaltose malabsorption; Sucrose isomaltose enzyme deficiency; Deficiency of isomaltase. Identifiers: Orphanet 35122, MedGen C1283620, MONDO:0009114, OMIM 222900.

Submission:

Juno Genomics, Hangzhou Juno Genomics, Inc
Classification: Likely pathogenic for Sucrase-isomaltase deficiency. Review status: criteria provided, single submitter. Criteria: ACMG Guidelines, 2015. Collection method: clinical testing. Allele origin: germline. Affected: yes.
Comment: Absent from controls (or at extremely low frequency if recessive) in Genome Aggregation Database, Exome Sequencing Project, 1000 Genomes Project, or Exome Aggregation Consortium.;Null variant in a gene where loss of function (LOF) is a known mechanism of disease.

NM_001041.4(SI):c.3487dup (p.His1163fs)

Gene: SI (sucrase-isomaltase; minus strand). Cytogenetic location: 3q26.1.
Variant type: Duplication.
Coding change: c.3487dup on transcript NM_001041.4 (MANE Select); coding-DNA position 3487, one base duplicated (C; older notation c.3487dupC).
Protein change: p.His1163fs; shifts the reading frame from histidine 1163.
Molecular consequence: frameshift variant.
Genome position (GRCh38, 1-based): chr3:165,018,003, G duplicated on the plus strand (C on the coding strand, the reverse complement: SI is on the minus strand). VCF-style (leftmost placement, unchanged base first): chr3-165018002-T-TG. GRCh37 (hg19) VCF-style: chr3-164735790-T-TG.
Other names: short protein forms H1163fs.
Identifiers: ClinVar variation 4531260 (VCV004531260.1).